The following is an entry in ClinVar:

ClinVar aggregate classification (germline): Conflicting classifications of pathogenicity. Review status: criteria provided, conflicting classifications (1 of 4 stars). 3 submissions from 3 submitters: Likely pathogenic (2); Uncertain significance (1). Last evaluated 2025-07-21.

Conditions:
Peroxisome biogenesis disorder 8A (Zellweger). Also called: Peroxisome biogenesis disorder 8A. Identifiers: Orphanet 912, MedGen C3553959, MONDO:0013942, OMIM 614876.
Peroxisome biogenesis disorder. Identifiers: Orphanet 79189, MedGen C1832200, MONDO:0019234. Disease mechanism: loss of function.

Submissions (3):

3billion
Classification: Likely pathogenic for Peroxisome biogenesis disorder 8A (Zellweger). Last evaluated: 2025-07-21. Review status: criteria provided, single submitter. Criteria: ACMG Guidelines, 2015. Collection method: clinical testing. Allele origin: germline. Affected: yes.
Comment: The variant is not observed in the gnomAD v4.1.0 dataset. Predicted Consequence/Location: Intron variant: previously reported to alter splicing from an in vitro assay and reduce expression level of the gene (PMID: 20681997). In silico tools predict the variant to alter splicing and produce an abnormal transcript [SpliceAI: 0.85 (spliceogenicity >=0.2, non-spliceogenicity <0.1)]. Intron variant: previously reported to alter splicing from an in vitro assay and reduce expression level of the gene (PMID: 20681997). Therefore, this variant is classified as Likely pathogenic according to the recommendation of ACMG/AMP guideline.

Labcorp Genetics (formerly Invitae), Labcorp
Classification: Uncertain significance for Peroxisome biogenesis disorder. Last evaluated: 2021-02-15. Review status: criteria provided, single submitter. Criteria: Invitae Variant Classification Sherloc (09022015). Collection method: clinical testing. Allele origin: germline.
Comment: This sequence change falls in intron 5 of the PEX16 gene. It does not directly change the encoded amino acid sequence of the PEX16 protein. RNA analysis indicates that this variant induces altered splicing and may result in an absent or disrupted protein product. This variant has been observed in individual(s) with clinical features of Zellweger syndrome (PMID: 20681997, 25287621). This variant is not present in population databases (ExAC no frequency). In summary, the available evidence is currently insufficient to determine the role of this variant in disease. Therefore, it has been classified as a Variant of Uncertain Significance. Nucleotide substitutions within the consensus splice site are a relatively common cause of aberrant splicing (PMID: 17576681, 9536098). Studies have shown that this variant is associated with skipping of exon 5, which introduces a premature termination codon (PMID: 20681997). The resulting mRNA is expected to undergo nonsense-mediated decay.

Pathology and Clinical Laboratory Medicine, King Fahad Medical City
Classification: Likely pathogenic for Peroxisome biogenesis disorder 8A (Zellweger). Review status: criteria provided, single submitter. Criteria: ACMG Guidelines, 2015. Collection method: clinical testing. Allele origin: germline. Affected: yes. Observed: 1 variant allele.

Literature cited by the submitters: PubMed 20681997 (cited by 3billion and Labcorp Genetics (formerly Invitae), Labcorp); PubMed 25287621 (cited by Labcorp Genetics (formerly Invitae), Labcorp); PubMed 17576681 (cited by Labcorp Genetics (formerly Invitae), Labcorp); PubMed 9536098 (cited by Labcorp Genetics (formerly Invitae), Labcorp).

NM_004813.4(PEX16):c.460+5G>A

Gene: PEX16 (peroxisomal biogenesis factor 16; minus strand). Cytogenetic location: 11p11.2.
Variant type: single nucleotide variant.
Coding change: c.460+5G>A on transcript NM_004813.4 (MANE Select); 5 bases into the intron after coding-DNA position 460, G replaced by A.
Molecular consequence: intron variant.
Genome position (GRCh38, 1-based): chr11:45,915,463, C>T on the plus strand (G>A on the coding strand, the complement: PEX16 is on the minus strand). VCF-style: chr11-45915463-C-T. GRCh37 (hg19) VCF-style: chr11-45937014-C-T.
Other names: c.460+5G>A (NM_057174.3).
Identifiers: ClinVar variation 1339506 (VCV001339506.10), dbSNP rs2134695257, ClinGen allele CA913189281.